The following is an entry in ClinVar:

NM_000233.4(LHCGR):c.1065T>C (p.Asp355=)

Genes: LHCGR (luteinizing hormone/choriogonadotropin receptor; minus strand), STON1-GTF2A1L (STON1-GTF2A1L readthrough; plus strand). Cytogenetic location: 2p16.3.
Variant type: single nucleotide variant.
Coding change: c.1065T>C on transcript NM_000233.4 (MANE Select); coding-DNA position 1065, T replaced by C.
Protein change: p.Asp355=; no amino-acid change (aspartic acid 355 retained).
Molecular consequence: synonymous variant. On other transcripts: intron variant (1).
Genome position (GRCh38, 1-based): chr2:48,688,732, A>G on the plus strand (T>C on the coding strand, the complement: LHCGR is on the minus strand). VCF-style: chr2-48688732-A-G. GRCh37 (hg19) VCF-style: chr2-48915871-A-G.
Other names: c.3441+17052A>G (NM_001198593.2).
Identifiers: ClinVar variation 255607 (VCV000255607.21), dbSNP rs11125179, ClinGen allele CA1653086.

ClinVar aggregate classification (germline): Benign. Review status: criteria provided, multiple submitters, no conflicts (2 of 4 stars). 10 submissions from 9 submitters: Benign (7). 3 of the submissions do not count toward it. Last evaluated 2026-02-03.

Conditions:
Gonadotropin-independent familial sexual precocity. Also called: TESTOTOXICOSIS, FAMILIAL; Familial male-limited precocious puberty. Identifiers: Orphanet 3000, MedGen C0342549, MONDO:0008303, OMIM 176410.
Leydig cell agenesis. Also called: Leydig cell hypoplasia, type 1; LEYDIG CELL HYPOPLASIA WITH MALE PSEUDOHERMAPHRODITISM; LEYDIG CELL HYPOPLASIA, COMPLETE; HYPERGONADOTROPIC HYPOGONADISM, MALE, DUE TO LHCGR DEFECT. Identifiers: MedGen C0266432, MONDO:0009384, OMIM 238320.

Allele frequency attached by ClinVar (database versions not stated): ESP Exome Variant Server 0.49669; gnomAD 0.51451 and 0.52644; TOPMed 0.52581; 1000 Genomes Project 30x 0.58167; gnomAD exomes 0.58992 and 0.61365; 1000 Genomes Project 0.59225; ExAC 0.60263.
gnomAD v4.1: 943,082 of 1,613,476 alleles (58%); highest among the groups gnomAD compares: East Asian, 93%; 282,313 homozygotes.

Submissions (10):

Labcorp Genetics (formerly Invitae), Labcorp
Classification: Benign. Last evaluated: 2026-02-03. Review status: criteria provided, single submitter. Criteria: Invitae Variant Classification Sherloc (09022015). Collection method: clinical testing. Allele origin: germline.

Illumina Laboratory Services, Illumina
Classification: Benign for Gonadotropin-independent familial sexual precocity. Last evaluated: 2018-01-12. Review status: criteria provided, single submitter. Criteria: ICSL Variant Classification Criteria 13 December 2019. Collection method: clinical testing. Allele origin: germline.
Comment: This variant was observed in the ICSL laboratory as part of a predisposition screen in an ostensibly healthy population. It had not been previously curated by ICSL or reported in the Human Gene Mutation Database (HGMD: prior to June 1st, 2018), and was therefore a candidate for classification through an automated scoring system. Utilizing variant allele frequency, disease prevalence and penetrance estimates, and inheritance mode, an automated score was calculated to assess if this variant is too frequent to cause the disease. Based on the score and internal cut-off values, a variant classified as benign is not then subjected to further curation. The score for this variant resulted in a classification of benign for this disease.

Illumina Laboratory Services, Illumina
Classification: Benign for Leydig cell agenesis. Last evaluated: 2018-01-12. Review status: criteria provided, single submitter. Criteria: ICSL Variant Classification Criteria 13 December 2019. Collection method: clinical testing. Allele origin: germline.
Comment: the same text as in the submission from Illumina Laboratory Services, Illumina above.

Athena Diagnostics
Classification: Benign. Last evaluated: 2017-07-26. Review status: criteria provided, single submitter. Criteria: Athena Diagnostics Criteria. Collection method: clinical testing. Allele origin: germline.

GeneDx
Classification: Benign. Last evaluated: 2015-03-03. Review status: criteria provided, single submitter. Criteria: GeneDx Variant Classification Process June 2021. Collection method: clinical testing. Allele origin: germline. Affected: yes.

Breakthrough Genomics
Classification: Benign. Review status: criteria provided, single submitter. Criteria: ACMG Guidelines, 2015. Collection method: not provided. Allele origin: germline. Inheritance: Autosomal recessive inheritance. Affected: yes.

PreventionGenetics, part of Exact Sciences
Classification: Benign. Review status: criteria provided, single submitter. Criteria: ACMG Guidelines, 2015. Collection method: clinical testing. Allele origin: germline.

Clinical Genetics DNA and cytogenetics Diagnostics Lab, Erasmus MC, Erasmus Medical Center
Classification: Benign. Review status: no assertion criteria provided. Collection method: clinical testing. Allele origin: germline. Affected: yes. Study: VKGL Data-share Consensus. Not counted in ClinVar's aggregate classification.

Diagnostic Laboratory, Department of Genetics, University Medical Center Groningen
Classification: Benign. Review status: no assertion criteria provided. Collection method: clinical testing. Allele origin: germline. Affected: yes. Study: VKGL Data-share Consensus. Not counted in ClinVar's aggregate classification.

Joint Genome Diagnostic Labs from Nijmegen and Maastricht, Radboudumc and MUMC+
Classification: Benign. Review status: no assertion criteria provided. Collection method: clinical testing. Allele origin: germline. Affected: yes. Study: VKGL Data-share Consensus. Not counted in ClinVar's aggregate classification.